The following is an entry in ClinVar:

ClinVar aggregate classification (germline): Pathogenic. Review status: criteria provided, multiple submitters, no conflicts (2 of 4 stars). 3 submissions from 3 submitters: Pathogenic (2). 1 of the submissions does not count toward it. Last evaluated 2025-03-07.

Conditions:
Charlevoix-Saguenay spastic ataxia (SACS). Also called: SPASTIC ATAXIA 6, AUTOSOMAL RECESSIVE; AUTOSOMAL RECESSIVE SPASTIC ATAXIA OF CHARLEVOIX-SAGUENAY; Spastic ataxia of Charlevoix-Saguenay. Identifiers: Orphanet 98, MedGen C1849140, MONDO:0010041, OMIM 270550.

Submissions (3):

Women's Health and Genetics/Laboratory Corporation of America, LabCorp
Classification: Pathogenic for Charlevoix-Saguenay spastic ataxia. Last evaluated: 2025-03-07. Review status: criteria provided, single submitter. Criteria: LabCorp Variant Classification Summary - May 2015. Collection method: clinical testing. Allele origin: germline.
Comment: Variant summary: SACS c.12220G>C (p.Ala4074Pro) results in a non-conservative amino acid change in the encoded protein sequence. Five of five in-silico tools predict a damaging effect of the variant on protein function. The variant was absent in 250816 control chromosomes. c.12220G>C has been reported in the literature in the homozygous state in at-least one family with three siblings, conceived via a consanguineous union, affected with Autosomal Recessive Spastic Ataxia Of Charlevoix-Saguenay (example: El Euch-Fayache_2003). These data indicate that the variant is very likely to be associated with disease. The following publication has been ascertained in the context of this evaluation (PMID: 12873855). ClinVar contains an entry for this variant (Variation ID: 5514). Based on the evidence outlined above, the variant was classified as pathogenic.

PROSPAX: an integrated multimodal progression  chart in spastic ataxias, Center for Neurology; Hertie-Institute for Clinical Brain Research
Classification: Pathogenic for Charlevoix-Saguenay spastic ataxia. Last evaluated: 2022-01-01. Review status: criteria provided, single submitter. Criteria: ACMG Guidelines, 2015. Collection method: research. Allele origin: germline. Affected: yes.

OMIM
Classification: Pathogenic for SPASTIC ATAXIA, CHARLEVOIX-SAGUENAY TYPE. Last evaluated: 2003-07-01. Review status: no assertion criteria provided. Collection method: literature only. Allele origin: germline. Not counted in ClinVar's aggregate classification.

Literature cited by the submitters: PubMed 12873855 (cited by Women's Health and Genetics/Laboratory Corporation of America, LabCorp and OMIM).

NM_014363.6(SACS):c.12220G>C (p.Ala4074Pro)

Gene: SACS (sacsin molecular chaperone; minus strand). Cytogenetic location: 13q12.12.
Variant type: single nucleotide variant.
Coding change: c.12220G>C on transcript NM_014363.6 (MANE Select); coding-DNA position 12220, G replaced by C.
Protein change: p.Ala4074Pro; replaces alanine 4074 with proline.
Molecular consequence: missense variant.
Genome position (GRCh38, 1-based): chr13:23,331,656, C>G on the plus strand (G>C on the coding strand, the complement: SACS is on the minus strand). VCF-style: chr13-23331656-C-G. GRCh37 (hg19) VCF-style: chr13-23905795-C-G.
Other names: A3324P; c.11779G>C, p.Ala3927Pro (NM_001278055.2); c.12220G>C (NM_014363.5); short protein forms A3927P, A4074P.
Identifiers: ClinVar variation 5514 (VCV000005514.3), dbSNP rs137853016, ClinGen allele CA253511.
Genomic context (GRCh38, chr13:23,331,656, plus strand): 5'-TACTGTCTGAATGTTGAATGTAGAGCAAGATGACTGCATTACCAAATCGCTTCAAAAAAG[C>G]AAAAGTTTCACTTCTGCTGTGGGGAATAGGATTAAAACCTTTAACTCTTAATGTTGTTTG-3'
Protein context (NP_055178.3, residues 4064-4084): PIPHSRSETF[Ala4074Pro]FLKRFGNAVI